The following is an entry in ClinVar:

NM_015346.4(ZFYVE26):c.5861T>A (p.Leu1954Gln)

Gene: ZFYVE26 (zinc finger FYVE-type containing 26; minus strand). Cytogenetic location: 14q24.1.
Variant type: single nucleotide variant.
Coding change: c.5861T>A on transcript NM_015346.4 (MANE Select); coding-DNA position 5861, T replaced by A.
Protein change: p.Leu1954Gln; replaces leucine 1954 with glutamine.
Molecular consequence: missense variant.
Genome position (GRCh38, 1-based): chr14:67,766,377, A>T on the plus strand (T>A on the coding strand, the complement: ZFYVE26 is on the minus strand). VCF-style: chr14-67766377-A-T. GRCh37 (hg19) VCF-style: chr14-68233094-A-T.
Other names: short protein forms L1954Q.
Identifiers: ClinVar variation 2199051 (VCV002199051.4), dbSNP rs1197692411, ClinGen allele CA390165885.

ClinVar aggregate classification (germline): Uncertain significance (1 of 4 stars; one submission).

Conditions:
Spastic paraplegia. Identifiers: MedGen C0037772, HP:0001258.

Allele frequency attached by ClinVar (database versions not stated): gnomAD exomes 0.00001.
gnomAD v4.1: 4 of 1,612,864 alleles (0.00025%); highest among the groups gnomAD compares: Admixed American, 0.0067%; no homozygotes.

Submission:

Labcorp Genetics (formerly Invitae), Labcorp
Classification: Uncertain significance for Spastic paraplegia. Last evaluated: 2022-11-25. Review status: criteria provided, single submitter. Criteria: Invitae Variant Classification Sherloc (09022015). Collection method: clinical testing. Allele origin: germline.
Comment: This sequence change replaces leucine, which is neutral and non-polar, with glutamine, which is neutral and polar, at codon 1954 of the ZFYVE26 protein (p.Leu1954Gln). This variant is present in population databases (no rsID available, gnomAD 0.01%). This variant has not been reported in the literature in individuals affected with ZFYVE26-related conditions. Algorithms developed to predict the effect of missense changes on protein structure and function are either unavailable or do not agree on the potential impact of this missense change (SIFT: "Deleterious"; PolyPhen-2: "Probably Damaging"; Align-GVGD: "Class C0"). In summary, the available evidence is currently insufficient to determine the role of this variant in disease. Therefore, it has been classified as a Variant of Uncertain Significance.